The following is an entry in ClinVar:

NM_006567.5(FARS2):c.904+14334C>T

Gene: FARS2 (phenylalanyl-tRNA synthetase 2, mitochondrial; plus strand). Cytogenetic location: 6p25.1.
Variant type: single nucleotide variant.
Coding change: c.904+14334C>T on transcript NM_006567.5 (MANE Select); 14334 bases into the intron after coding-DNA position 904, C replaced by T.
Molecular consequence: intron variant.
Genome position (GRCh38, 1-based): chr6:5,445,506, C>T. VCF-style: chr6-5445506-C-T. GRCh37 (hg19) VCF-style: chr6-5445739-C-T.
Other names: c.904+14334C>T (NM_001374878.1, NM_001318872.2, NM_001374877.1 and 4 more transcripts); c.772+40805C>T (NM_001375258.1); c.208+14334C>T (NM_001375260.1, NM_001375259.1).
Identifiers: ClinVar variation 3256845 (VCV003256845.2).

ClinVar aggregate classification (germline): Benign (1 of 4 stars; one submission).

gnomAD v4.1: 129,621 of 152,186 alleles (85%); highest among the groups gnomAD compares: East Asian, 96%; 55,406 homozygotes.

Submission:

Unidad de Genómica Garrahan, Hospital de Pediatría Garrahan
Classification: Benign. Last evaluated: 2024-07-31. Review status: criteria provided, single submitter. Criteria: ACMG Guidelines, 2015. Collection method: clinical testing. Allele origin: germline. Affected: no. Observed: 83 variant alleles.
Comment: This variant is classified as Benign based on local population frequency. This variant was detected in 89% of patients studied in a panel designed for Epileptic and Developmental Encephalopathy, Progressive Myoclonus Epilepsy and Abnormal Movements and Neurodegeneration with brain iron accumulation. Number of patients: 83. Only high quality variants are reported.